The following is an entry in ClinVar:

ClinVar aggregate classification (germline): Pathogenic (1 of 4 stars; one submission).

Conditions:
Familial cancer of breast. Also called: BREAST CANCER, FAMILIAL; Hereditary breast cancer; hereditary breast carcinoma. Identifiers: Orphanet 227535, MedGen C0346153, MONDO:0016419, OMIM 114480. Disease mechanism: loss of function.

Submission:

Myriad Genetics, Inc.
Classification: Pathogenic for Familial cancer of breast. Last evaluated: 2024-01-08. Review status: criteria provided, single submitter. Criteria: Myriad Autosomal Dominant, Autosomal Recessive and X-Linked Classification Criteria (2023). Collection method: clinical testing. Allele origin: unknown.
Comment: This variant is considered pathogenic. This variant creates a frameshift predicted to result in premature protein truncation.

NM_000051.4(ATM):c.281dup (p.Met94fs)

Gene: ATM (ATM serine/threonine kinase; plus strand). Cytogenetic location: 11q22.3.
Variant type: Duplication.
Coding change: c.281dup on transcript NM_000051.4 (MANE Select); coding-DNA position 281, one base duplicated (T; older notation c.281dupT).
Protein change: p.Met94fs; shifts the reading frame from methionine 94.
Molecular consequence: frameshift variant.
Genome position (GRCh38, 1-based): chr11:108,229,273, T duplicated. VCF-style (leftmost placement, unchanged base first): chr11-108229272-A-AT. GRCh37 (hg19) VCF-style: chr11-108099999-A-AT.
Other names: c.281dup, p.Met94fs (NM_001351834.2, NM_001351835.2, NM_001351836.2); short protein forms M94fs.
Identifiers: ClinVar variation 3148353 (VCV003148353.1), dbSNP rs2496922271, ClinGen allele CA2825001745.